The following is an entry in ClinVar:

ClinVar aggregate classification (germline): Uncertain significance. Review status: criteria provided, multiple submitters, no conflicts (2 of 4 stars). 2 submissions from 2 submitters: Uncertain significance (2). Last evaluated 2025-11-17.

Allele frequency attached by ClinVar (database versions not stated): 1000 Genomes Project 30x 0.00062; 1000 Genomes Project 0.00060.
gnomAD v4.1: 73 of 1,609,568 alleles (0.0045%); highest among the groups gnomAD compares: South Asian, 0.032%; no homozygotes.

Submissions (2):

Labcorp Genetics (formerly Invitae), Labcorp
Classification: Uncertain significance. Last evaluated: 2025-11-17. Review status: criteria provided, single submitter. Criteria: Invitae Variant Classification Sherloc (09022015). Collection method: clinical testing. Allele origin: germline.
Comment: This sequence change replaces arginine, which is basic and polar, with glycine, which is neutral and non-polar, at codon 847 of the MYH7B protein (p.Arg847Gly). This variant is present in population databases (rs151049878, gnomAD 0.07%), and has an allele count higher than expected for a pathogenic variant. This variant has not been reported in the literature in individuals affected with MYH7B-related conditions. ClinVar contains an entry for this variant (Variation ID: 1438525). Invitae Evidence Modeling of protein sequence and biophysical properties (such as structural, functional, and spatial information, amino acid conservation, physicochemical variation, residue mobility, and thermodynamic stability) indicates that this missense variant is expected to disrupt MYH7B protein function with a positive predictive value of 80%. In summary, the available evidence is currently insufficient to determine the role of this variant in disease. Therefore, it has been classified as a Variant of Uncertain Significance.

Ambry Genetics
Classification: Uncertain significance. Last evaluated: 2021-07-06. Review status: criteria provided, single submitter. Criteria: Ambry Variant Classification Scheme 2023. Collection method: clinical testing. Allele origin: germline.

NM_020884.7(MYH7B):c.2413C>G (p.Arg805Gly)

Gene: MYH7B (myosin heavy chain 7B; plus strand). Cytogenetic location: 20q11.22.
Variant type: single nucleotide variant.
Coding change: c.2413C>G on transcript NM_020884.7 (MANE Select); coding-DNA position 2413, C replaced by G.
Protein change: p.Arg805Gly; replaces arginine 805 with glycine.
Molecular consequence: missense variant.
Genome position (GRCh38, 1-based): chr20:34,993,439, C>G. VCF-style: chr20-34993439-C-G. GRCh37 (hg19) VCF-style: chr20-33581242-C-G.
Other names: c.2539C>G (NM_020884.3); short protein forms R805G.
Identifiers: ClinVar variation 1438525 (VCV001438525.9), dbSNP rs151049878, ClinGen allele CA9827362.
Genomic context (GRCh38, chr20:34,993,439, plus strand): 5'-GACCAGCGCCTGGCCAAGGTGCTGACGCTGCTGCAGGCGCGGAGCCGTGGCCGCCTCATG[C>G]GCCTTGAGTACCAGCGCCTGCTGGGAGGCAGGTGGGTGTGGGAAGGAGGCTGGGGACAGG-3'
Protein context (NP_065935.4, residues 795-815): LQARSRGRLM[Arg805Gly]LEYQRLLGGR